The following is an entry in ClinVar:

NM_002471.4(MYH6):c.1002+6T>C

Gene: MYH6 (myosin heavy chain 6; minus strand). Cytogenetic location: 14q11.2.
Variant type: single nucleotide variant.
Coding change: c.1002+6T>C on transcript NM_002471.4 (MANE Select); 6 bases into the intron after coding-DNA position 1002, T replaced by C.
Molecular consequence: intron variant.
Genome position (GRCh38, 1-based): chr14:23,402,691, A>G on the plus strand (T>C on the coding strand, the complement: MYH6 is on the minus strand). VCF-style: chr14-23402691-A-G. GRCh37 (hg19) VCF-style: chr14-23871900-A-G.
Identifiers: ClinVar variation 1906457 (VCV001906457.5), dbSNP rs746798583, ClinGen allele CA7115948.
Genomic context (GRCh38, chr14:23,402,691, plus strand): 5'-GGTTGGAGCGGTGGCCCCAGGAGCTCCTGGGGTCCCTCGAACGGCCGCAGCAGCCCCCTC[A>G]CTCACATCGGTGGCCATGAGCTCCTCGGAGTCATCAATGGAGGCCACGGACACCTCTCCC-3'

ClinVar aggregate classification (germline): Uncertain significance (1 of 4 stars; one submission).

Conditions:
Hypertrophic cardiomyopathy 14. Identifiers: MedGen C2750467, MONDO:0013197, OMIM 613251.

gnomAD v4.1: 3 of 1,613,256 alleles (0.00019%); highest among the groups gnomAD compares: East Asian, 0.0045%; no homozygotes.

Submission:

Labcorp Genetics (formerly Invitae), Labcorp
Classification: Uncertain significance for Hypertrophic cardiomyopathy 14. Last evaluated: 2021-12-11. Review status: criteria provided, single submitter. Criteria: Invitae Variant Classification Sherloc (09022015). Collection method: clinical testing. Allele origin: germline.
Comment: This sequence change falls in intron 11 of the MYH6 gene. It does not directly change the encoded amino acid sequence of the MYH6 protein. It affects a nucleotide within the consensus splice site. In summary, the available evidence is currently insufficient to determine the role of this variant in disease. Therefore, it has been classified as a Variant of Uncertain Significance. Variants that disrupt the consensus splice site are a relatively common cause of aberrant splicing (PMID: 17576681, 9536098). Algorithms developed to predict the effect of sequence changes on RNA splicing suggest that this variant may disrupt the consensus splice site. This variant has not been reported in the literature in individuals affected with MYH6-related conditions. This variant is present in population databases (rs746798583, gnomAD 0.01%).

Literature cited by the submitters: PubMed 17576681; PubMed 9536098.